The following is an entry in ClinVar:

NM_001122955.4(BSCL2):c.370G>A (p.Val124Ile)

Genes: BSCL2 (BSCL2 lipid droplet biogenesis associated, seipin; minus strand), HNRNPUL2-BSCL2 (HNRNPUL2-BSCL2 readthrough (NMD candidate); minus strand). Cytogenetic location: 11q12.3.
Variant type: single nucleotide variant.
Coding change: c.370G>A on transcript NM_001122955.4 (MANE Select); coding-DNA position 370, G replaced by A.
Protein change: p.Val124Ile; replaces valine 124 with isoleucine.
Molecular consequence: missense variant. On other transcripts: non-coding transcript variant (1).
Genome position (GRCh38, 1-based): chr11:62,705,335, C>T on the plus strand (G>A on the coding strand, the complement: BSCL2 is on the minus strand). VCF-style: chr11-62705335-C-T. GRCh37 (hg19) VCF-style: chr11-62472807-C-T.
Other names: c.178G>A, p.Val60Ile (NM_001130702.2, NM_032667.6); c.370G>A, p.Val124Ile (NM_001386027.1, NM_001386028.1); short protein forms V124I, V60I.
Identifiers: ClinVar variation 3901639 (VCV003901639.1).

ClinVar aggregate classification (germline): Uncertain significance (1 of 4 stars; one submission).

gnomAD v4.1: 18 of 1,613,706 alleles (0.0011%); highest among the groups gnomAD compares: Non-Finnish European, 0.0015%; no homozygotes.

Submission:

GeneDx
Classification: Uncertain significance. Last evaluated: 2024-12-03. Review status: criteria provided, single submitter. Criteria: GeneDx Variant Classification Process June 2021. Collection method: clinical testing. Allele origin: germline. Affected: yes.
Comment: Not observed at significant frequency in large population cohorts (gnomAD); In silico analysis indicates that this missense variant does not alter protein structure/function; Has not been previously published as pathogenic or benign to our knowledge